The following is an entry in ClinVar:

NM_024642.5(GALNT12):c.69G>A (p.Val23=)

Genes: GALNT12 (polypeptide N-acetylgalactosaminyltransferase 12; plus strand), LOC130002222 (ATAC-STARR-seq lymphoblastoid silent region 20123; plus strand). Cytogenetic location: 9q22.33.
Variant type: single nucleotide variant.
Coding change: c.69G>A on transcript NM_024642.5 (MANE Select); coding-DNA position 69, G replaced by A.
Protein change: p.Val23=; no amino-acid change (valine 23 retained).
Molecular consequence: synonymous variant.
Genome position (GRCh38, 1-based): chr9:98,807,767, G>A. VCF-style: chr9-98807767-G-A. GRCh37 (hg19) VCF-style: chr9-101570049-G-A.
Identifiers: ClinVar variation 826760 (VCV000826760.5), dbSNP rs1257424378, ClinGen allele CA466423700.

ClinVar aggregate classification (germline): Benign/Likely benign. Review status: criteria provided, multiple submitters, no conflicts (2 of 4 stars). 2 submissions from 2 submitters: Benign (1); Likely benign (1). Last evaluated 2026-04-22.

Conditions:
Colorectal cancer, susceptibility to, 1. Also called: COLORECTAL ADENOMA AND CANCER, SUSCEPTIBILITY TO; COLORECTAL CANCER, SUSCEPTIBILITY TO, ON CHROMOSOME 9. Identifiers: MedGen C1837315, MONDO:0012132, OMIM 608812.

Submissions (2):

Myriad Genetics, Inc.
Classification: Benign for Colorectal cancer, susceptibility to, 1. Last evaluated: 2026-04-22. Review status: criteria provided, single submitter. Criteria: Myriad Autosomal Dominant, Autosomal Recessive and X-Linked Classification Criteria (2023). Collection method: clinical testing. Allele origin: unknown.
Comment: This variant is considered benign. This variant is a silent/synonymous amino acid change and it is not expected to impact splicing.

Ambry Genetics
Classification: Likely benign. Last evaluated: 2018-04-13. Review status: criteria provided, single submitter. Criteria: Ambry Variant Classification Scheme 2023. Collection method: clinical testing. Allele origin: germline.